The following is an entry in ClinVar:

NM_000256.3(MYBPC3):c.2812del (p.Ala938fs)

Gene: MYBPC3 (myosin binding protein C3; minus strand). Cytogenetic location: 11p11.2.
Variant type: Deletion.
Coding change: c.2812del on transcript NM_000256.3 (MANE Select); coding-DNA position 2812, one base deleted (G; older notation c.2812delG).
Protein change: p.Ala938fs; shifts the reading frame from alanine 938.
Molecular consequence: frameshift variant.
Genome position (GRCh38, 1-based): chr11:47,335,135, C deleted on the plus strand (G on the coding strand, the reverse complement: MYBPC3 is on the minus strand); the first of 5 consecutive C bases (chr11:47,335,135-47,335,139); deleting any one gives the same sequence. VCF-style (leftmost placement, unchanged base first): chr11-47335134-GC-G. GRCh37 (hg19) VCF-style: chr11-47356685-GC-G.
Other names: short protein forms A938fs.
Identifiers: ClinVar variation 1444924 (VCV001444924.6), dbSNP rs2142852944, ClinGen allele CA2573146375.

ClinVar aggregate classification (germline): Pathogenic (1 of 4 stars; one submission).

Conditions:
Hypertrophic cardiomyopathy. Also called: HYPERTROPHIC MYOCARDIOPATHY. Identifiers: Orphanet 217569, MedGen C0007194, MeSH D002312, MONDO:0005045, HP:0001639.

Submission:

Labcorp Genetics (formerly Invitae), Labcorp
Classification: Pathogenic for Hypertrophic cardiomyopathy. Last evaluated: 2021-06-01. Review status: criteria provided, single submitter. Criteria: Invitae Variant Classification Sherloc (09022015). Collection method: clinical testing. Allele origin: germline.
Comment: This sequence change creates a premature translational stop signal (p.Ala938Profs*25) in the MYBPC3 gene. It is expected to result in an absent or disrupted protein product. Loss-of-function variants in MYBPC3 are known to be pathogenic (PMID: 19574547). For these reasons, this variant has been classified as Pathogenic. This variant has not been reported in the literature in individuals with MYBPC3-related conditions. This variant is not present in population databases (ExAC no frequency).

Literature cited by the submitters: PubMed 19574547.